The following is an entry in ClinVar:

ClinVar aggregate classification (germline): Uncertain significance (1 of 4 stars; one submission).

Allele frequency attached by ClinVar (database versions not stated): TOPMed 0.00001; gnomAD 0.00002; ESP Exome Variant Server 0.00008.
gnomAD v4.1: 30 of 1,613,792 alleles (0.0019%); highest among the groups gnomAD compares: Non-Finnish European, 0.0023%; no homozygotes.

Submission:

Labcorp Genetics (formerly Invitae), Labcorp
Classification: Uncertain significance. Last evaluated: 2025-08-25. Review status: criteria provided, single submitter. Criteria: Invitae Variant Classification Sherloc (09022015). Collection method: clinical testing. Allele origin: germline.
Comment: This sequence change replaces alanine, which is neutral and non-polar, with valine, which is neutral and non-polar, at codon 1058 of the DCHS1 protein (p.Ala1058Val). This variant is present in population databases (rs140255625, gnomAD 0.0009%). This variant has not been reported in the literature in individuals affected with DCHS1-related conditions. ClinVar contains an entry for this variant (Variation ID: 3014649). Invitae Evidence Modeling of protein sequence and biophysical properties (such as structural, functional, and spatial information, amino acid conservation, physicochemical variation, residue mobility, and thermodynamic stability) indicates that this missense variant is not expected to disrupt DCHS1 protein function with a negative predictive value of 80%. In summary, the available evidence is currently insufficient to determine the role of this variant in disease. Therefore, it has been classified as a Variant of Uncertain Significance.

NM_003737.4(DCHS1):c.3173C>T (p.Ala1058Val)

Gene: DCHS1 (dachsous cadherin-related 1; minus strand). Cytogenetic location: 11p15.4.
Variant type: single nucleotide variant.
Coding change: c.3173C>T on transcript NM_003737.4 (MANE Select); coding-DNA position 3173, C replaced by T.
Protein change: p.Ala1058Val; replaces alanine 1058 with valine.
Molecular consequence: missense variant.
Genome position (GRCh38, 1-based): chr11:6,632,339, G>A on the plus strand (C>T on the coding strand, the complement: DCHS1 is on the minus strand). VCF-style: chr11-6632339-G-A. GRCh37 (hg19) VCF-style: chr11-6653570-G-A.
Other names: short protein forms A1058V.
Identifiers: ClinVar variation 3014649 (VCV003014649.3), dbSNP rs140255625, ClinGen allele CA217299303.